The following is an entry in ClinVar:

NM_001083962.2(TCF4):c.-21+2T>A

Gene: TCF4 (transcription factor 4; minus strand). Cytogenetic location: 18q21.2.
Variant type: single nucleotide variant.
Coding change: c.-21+2T>A on transcript NM_001083962.2 (MANE Select); the canonical splice donor site of the intron after 21 bases upstream of the start codon, T replaced by A.
Molecular consequence: splice donor variant. On other transcripts: intron variant (14).
Genome position (GRCh38, 1-based): chr18:55,588,036, A>T on the plus strand (T>A on the coding strand, the complement: TCF4 is on the minus strand). VCF-style: chr18-55588036-A-T. GRCh37 (hg19) VCF-style: chr18-53255267-A-T.
Other names: c.287-900T>A (NM_001243226.3); c.-1+1261T>A (NM_001369584.1, NM_001369576.1, NM_001369577.1 and 3 more transcripts); c.-20-900T>A (NM_001369571.1, NM_001369567.1, NM_001243228.2); c.66+434T>A (NM_001243230.2); c.-21+434T>A (NM_001369569.1, NM_001369572.1, NM_001369568.1); c.-1+2T>A (NM_001369585.1, NM_001369578.1, NM_001369579.1 and 2 more transcripts); c.-21+2T>A (NM_001369573.1, NM_001369570.1, NM_001369574.1 and 2 more transcripts).
Identifiers: ClinVar variation 560270 (VCV000560270.5), dbSNP rs1568471128, ClinGen allele CA658824350.

ClinVar aggregate classification (germline): Uncertain significance. Review status: criteria provided, multiple submitters, no conflicts (2 of 4 stars). 2 submissions from 2 submitters: Uncertain significance (2). Last evaluated 2019-09-11.

Conditions:
Corneal dystrophy, Fuchs endothelial, 3 (FECD3). Also called: FCD2 LOCUS. Identifiers: Orphanet 98974, MedGen C2750451, MONDO:0013203, OMIM 613267.

Submissions (2):

GeneDx
Classification: Uncertain significance. Last evaluated: 2019-09-11. Review status: criteria provided, single submitter. Criteria: GeneDx Variant Classification Process June 2021. Collection method: clinical testing. Allele origin: germline. Affected: yes.
Comment: In silico analysis, which includes splice predictors and evolutionary conservation, supports a deleterious effect; Has not been previously published as pathogenic or benign to our knowledge; No data available from control populations to assess the frequency of this variant

Geisinger Autism and Developmental Medicine Institute, Geisinger Health System
Classification: Uncertain significance for Corneal dystrophy, Fuchs endothelial, 3. Last evaluated: 2017-08-10. Review status: criteria provided, single submitter. Criteria: ACMG Guidelines, 2015. Collection method: provider interpretation, clinical testing. Allele origin: maternal. Affected: no. Observed: 1 variant allele.
Comment: This variant is absent from gnomAD and computational models predict this variant would destroy the canonical splice donor site in intron 1, causing abnormal splicing. Additionally, whole exome sequencing also identified three additional variants of uncertain significance.

Literature cited by the submitters: PubMed 18728071 (cited by Geisinger Autism and Developmental Medicine Institute, Geisinger Health System).